The following is an entry in ClinVar:

ClinVar aggregate classification (germline): Uncertain significance. Review status: criteria provided, multiple submitters, no conflicts (2 of 4 stars). 2 submissions from 2 submitters: Uncertain significance (2). Last evaluated 2026-03-09.

Conditions:
Early-infantile DEE. Also called: Early infantile epileptic encephalopathy with suppression bursts; Ohtahara syndrome; Early infantile epileptic encephalopathy. Identifiers: Orphanet 1934, MedGen C0393706, MONDO:0800491.

Allele frequency attached by ClinVar (database versions not stated): gnomAD exomes below 0.00001.
gnomAD v4.1: 1 of 1,613,928 alleles (0.000062%); highest among the groups gnomAD compares: Non-Finnish European, 0.000085%; no homozygotes.

Submissions (2):

GeneDx
Classification: Uncertain significance. Last evaluated: 2026-03-09. Review status: criteria provided, single submitter. Criteria: GeneDx Variant Classification Process June 2021. Collection method: clinical testing. Allele origin: germline.
Comment: Not observed at significant frequency in large population cohorts (gnomAD); In silico analysis supports that this missense variant has a deleterious effect on protein structure/function; Has not been previously published as pathogenic or benign to our knowledge; This substitution is predicted to be within the cytoplasmic loop between the first and second homologous domains

Labcorp Genetics (formerly Invitae), Labcorp
Classification: Uncertain significance for Early-infantile DEE. Last evaluated: 2021-02-12. Review status: criteria provided, single submitter. Criteria: Invitae Variant Classification Sherloc (09022015). Collection method: clinical testing. Allele origin: germline.
Comment: In summary, the available evidence is currently insufficient to determine the role of this variant in disease. Therefore, it has been classified as a Variant of Uncertain Significance. Algorithms developed to predict the effect of missense changes on protein structure and function are either unavailable or do not agree on the potential impact of this missense change (SIFT: "Deleterious"; PolyPhen-2: "Benign"; Align-GVGD: "Class C0"). This variant has not been reported in the literature in individuals with SCN8A-related conditions. This variant is not present in population databases (ExAC no frequency). This sequence change replaces threonine with proline at codon 729 of the SCN8A protein (p.Thr729Pro). The threonine residue is highly conserved and there is a small physicochemical difference between threonine and proline.

NM_001330260.2(SCN8A):c.2185A>C (p.Thr729Pro)

Gene: SCN8A (sodium voltage-gated channel alpha subunit 8; plus strand). Cytogenetic location: 12q13.13.
Variant type: single nucleotide variant.
Coding change: c.2185A>C on transcript NM_001330260.2 (MANE Select); coding-DNA position 2185, A replaced by C.
Protein change: p.Thr729Pro; replaces threonine 729 with proline.
Molecular consequence: missense variant.
Genome position (GRCh38, 1-based): chr12:51,751,408, A>C. VCF-style: chr12-51751408-A-C. GRCh37 (hg19) VCF-style: chr12-52145192-A-C.
Other names: c.2185A>C, p.Thr729Pro (NM_001177984.3, NM_001369788.1, NM_014191.4); c.2185A>C (NM_001330260.1); short protein forms T729P.
Identifiers: ClinVar variation 1011721 (VCV001011721.10), dbSNP rs1942592830, ClinGen allele CA384879805.